The following is an entry in ClinVar:

NM_001384479.1(AGT):c.1060C>T

Gene: AGT (angiotensinogen; minus strand). Cytogenetic location: 1q42.2.
Variant type: single nucleotide variant.
Coding change: c.1060C>T on transcript NM_001384479.1 (MANE Select); coding-DNA position 1060, C replaced by T.
Genome position (GRCh38, 1-based): chr1:230,705,970, G>A on the plus strand (C>T on the coding strand, the complement: AGT is on the minus strand). VCF-style: chr1-230705970-G-A. GRCh37 (hg19) VCF-style: chr1-230841716-G-A.
Other names: NM_000029.3:c.1087C>T.
Identifiers: ClinVar variation 429714 (VCV000429714.3), dbSNP rs778806374, ClinGen allele CA1448147.

ClinVar aggregate classification (germline): Pathogenic/Likely pathogenic. Review status: criteria provided, multiple submitters, no conflicts (2 of 4 stars). 2 submissions from 2 submitters: Pathogenic (1); Likely pathogenic (1). Last evaluated 2021-11-19.

Conditions:
Essential hypertension, genetic (EHT). Identifiers: MedGen CN305331, MONDO:0007781, OMIM 145500.
Renal tubular dysgenesis of genetic origin. Also called: PRIMITIVE RENAL TUBULE SYNDROME. Identifiers: Orphanet 97369, MedGen C5681536, MONDO:0009970, OMIM 267430.

Allele frequency attached by ClinVar (database versions not stated): gnomAD exomes below 0.00001 and 0.00001; TOPMed below 0.00001; ExAC 0.00002.
gnomAD v4.1: 2 of 1,614,170 alleles (0.00012%); highest among the groups gnomAD compares: East Asian, 0.0045%; no homozygotes.

Submissions (2):

Fulgent Genetics
Classification: Likely pathogenic for Essential hypertension, genetic; Renal tubular dysgenesis of genetic origin. Last evaluated: 2021-11-19. Review status: criteria provided, single submitter. Criteria: ACMG Guidelines, 2015. Collection method: clinical testing. Allele origin: unknown.

GeneDx
Classification: Pathogenic. Last evaluated: 2017-05-15. Review status: criteria provided, single submitter. Criteria: GeneDx Variant Classification (06012015). Collection method: clinical testing. Allele origin: germline. Affected: yes.
Comment: The neonatal course was complicated by refractory hypotension, respiratory failure, and persistent anuria. Postmortem examination revealed absent proximal tubules with normal looking kidneys (Lo et al., 2016). This variant is predicted to cause loss of normal protein function either through protein truncation or nonsense-mediated mRNA decay. The Q363X variant is not observed at a significant frequency in large population cohorts (Lek et al., 2016; 1000 Genomes Consortium et al., 2015; Exome Variant Server). We interpret Q363X as a pathogenic variant.